The following is an entry in ClinVar:

NM_003011.4(SET):c.670G>A (p.Asp224Asn)

Gene: SET (SET nuclear proto-oncogene; plus strand). Cytogenetic location: 9q34.11.
Variant type: single nucleotide variant.
Coding change: c.670G>A on transcript NM_003011.4 (MANE Select); coding-DNA position 670, G replaced by A.
Protein change: p.Asp224Asn; replaces aspartic acid 224 with asparagine.
Molecular consequence: missense variant.
Genome position (GRCh38, 1-based): chr9:128,693,902, G>A. VCF-style: chr9-128693902-G-A. GRCh37 (hg19) VCF-style: chr9-131456181-G-A.
Other names: c.709G>A, p.Asp237Asn (NM_001122821.2, NM_001374326.1); c.643G>A, p.Asp215Asn (NM_001248000.2); c.637G>A, p.Asp213Asn (NM_001248001.2); short protein forms D213N, D215N, D224N, D237N.
Identifiers: ClinVar variation 1211562 (VCV001211562.4), dbSNP rs2132255761, ClinGen allele CA375061170.

ClinVar aggregate classification (germline): Uncertain significance. Review status: criteria provided, multiple submitters, no conflicts (2 of 4 stars). 2 submissions from 2 submitters: Uncertain significance (2). Last evaluated 2021-04-16.

Conditions:
Intellectual developmental disorder, autosomal dominant 58. Also called: MENTAL RETARDATION, AUTOSOMAL DOMINANT 58; Intellectual disability, autosomal dominant 58. Identifiers: MedGen C4748195, MONDO:0020847, OMIM 618106.

Submissions (2):

New York Genome Center
Classification: Uncertain significance for Intellectual developmental disorder, autosomal dominant 58. Last evaluated: 2021-04-16. Review status: criteria provided, single submitter. Criteria: NYGC Assertion Criteria 2020. Collection method: clinical testing. Allele origin: germline. Observed: 1 heterozygote. Study: CSER-NYCKidSeq.
Comment: The c.670G>A (p.Asp224Asn) variant identified in the SET gene substitutes a well conserved Aspartic Acid for Asparagine at amino acid 224/278 (exon 7/8). This variant is absent from gnomAD(v3.1.1) suggesting it is not a common benign variant in the populations represented in that database. In silico algorithms predict this variant to be Damaging (SIFT; score:0.022) and Benign (REVEL; score:0.185) to the function of the canonical transcript. This variant is absent from ClinVar and to our current knowledge has not been reported in affected individuals in the literature. Given the lack of compelling evidence for its pathogenicity, the c.670G>A (p.Asp224Asn) variant identified in the SET gene is reported as a Variant of Uncertain Significance.

GeneDx
Classification: Uncertain significance. Last evaluated: 2019-04-08. Review status: criteria provided, single submitter. Criteria: GeneDx Variant Classification Process June 2021. Collection method: clinical testing. Allele origin: germline. Affected: yes.
Comment: Not observed in large population cohorts (Lek et al., 2016); In silico analysis, which includes protein predictors and evolutionary conservation, supports a deleterious effect; Has not been previously published as pathogenic or benign to our knowledge